The following is an entry in ClinVar:

NM_001032386.2(SUOX):c.1124C>A (p.Ala375Asp)

Gene: SUOX (sulfite oxidase; plus strand). Cytogenetic location: 12q13.2.
Variant type: single nucleotide variant.
Coding change: c.1124C>A on transcript NM_001032386.2 (MANE Select); coding-DNA position 1124, C replaced by A.
Protein change: p.Ala375Asp; replaces alanine 375 with aspartic acid.
Molecular consequence: missense variant.
Genome position (GRCh38, 1-based): chr12:56,004,513, C>A. VCF-style: chr12-56004513-C-A. GRCh37 (hg19) VCF-style: chr12-56398297-C-A.
Other names: c.1124C>A, p.Ala375Asp (NM_000456.3, NM_001032387.2); short protein forms A375D.
Identifiers: ClinVar variation 2047258 (VCV002047258.2), dbSNP rs764084543, ClinGen allele CA6621103.

ClinVar aggregate classification (germline): Uncertain significance (1 of 4 stars; one submission).

Conditions:
Sulfite oxidase deficiency. Also called: Isolated sulfite oxidase deficiency. Identifiers: Orphanet 833, Orphanet 99731, MedGen C0268624, MONDO:0010089, OMIM 272300, HP:0003643.

Submission:

Labcorp Genetics (formerly Invitae), Labcorp
Classification: Uncertain significance for Sulfite oxidase deficiency. Last evaluated: 2023-05-22. Review status: criteria provided, single submitter. Criteria: Invitae Variant Classification Sherloc (09022015). Collection method: clinical testing. Allele origin: germline.
Comment: In summary, the available evidence is currently insufficient to determine the role of this variant in disease. Therefore, it has been classified as a Variant of Uncertain Significance. Advanced modeling of protein sequence and biophysical properties (such as structural, functional, and spatial information, amino acid conservation, physicochemical variation, residue mobility, and thermodynamic stability) performed at Invitae indicates that this missense variant is expected to disrupt SUOX protein function. ClinVar contains an entry for this variant (Variation ID: 2047258). This variant has not been reported in the literature in individuals affected with SUOX-related conditions. This variant is not present in population databases (gnomAD no frequency). This sequence change replaces alanine, which is neutral and non-polar, with aspartic acid, which is acidic and polar, at codon 375 of the SUOX protein (p.Ala375Asp).